The following is an entry in ClinVar:

ClinVar aggregate classification (germline): Uncertain significance (1 of 4 stars; one submission).

Conditions:
Hyperammonemic encephalopathy due to carbonic anhydrase VA deficiency. Also called: Carbonic anhydrase VA deficiency, hyperammonemia due to; Carbonic Anhydrase VA Deficiency. Identifiers: Orphanet 401948, MedGen C4706871, MONDO:0014332, OMIM 615751.

Allele frequency attached by ClinVar (database versions not stated): gnomAD exomes below 0.00001.
gnomAD v4.1: 1 of 1,612,810 alleles (0.000062%); highest among the groups gnomAD compares: South Asian, 0.0011%; no homozygotes.

Submission:

Labcorp Genetics (formerly Invitae), Labcorp
Classification: Uncertain significance for Hyperammonemic encephalopathy due to carbonic anhydrase VA deficiency. Last evaluated: 2020-03-18. Review status: criteria provided, single submitter. Criteria: Invitae Variant Classification Sherloc (09022015). Collection method: clinical testing. Allele origin: germline.
Comment: In summary, the available evidence is currently insufficient to determine the role of this variant in disease. Therefore, it has been classified as a Variant of Uncertain Significance. Algorithms developed to predict the effect of missense changes on protein structure and function output the following: SIFT: "Tolerated"; PolyPhen-2: "Benign"; Align-GVGD: "Class C0". The alanine amino acid residue is found in multiple mammalian species, suggesting that this missense change does not adversely affect protein function. These predictions have not been confirmed by published functional studies and their clinical significance is uncertain. This variant has not been reported in the literature in individuals with CA5A-related conditions. This variant is not present in population databases (ExAC no frequency). This sequence change replaces valine with alanine at codon 171 of the CA5A protein (p.Val171Ala). The valine residue is moderately conserved and there is a small physicochemical difference between valine and alanine.

NM_001739.2(CA5A):c.512T>C (p.Val171Ala)

Gene: CA5A (carbonic anhydrase 5A; minus strand). Cytogenetic location: 16q24.2.
Variant type: single nucleotide variant.
Coding change: c.512T>C on transcript NM_001739.2 (MANE Select); coding-DNA position 512, T replaced by C.
Protein change: p.Val171Ala; replaces valine 171 with alanine.
Molecular consequence: missense variant. On other transcripts: non-coding transcript variant (2).
Genome position (GRCh38, 1-based): chr16:87,902,468, A>G on the plus strand (T>C on the coding strand, the complement: CA5A is on the minus strand). VCF-style: chr16-87902468-A-G. GRCh37 (hg19) VCF-style: chr16-87936074-A-G.
Other names: c.512T>C, p.Val171Ala (NM_001367225.1); short protein forms V171A.
Identifiers: ClinVar variation 1054883 (VCV001054883.9), dbSNP rs2143950598, ClinGen allele CA397041811.